The following is an entry in ClinVar:

ClinVar aggregate classification (germline): Uncertain significance (1 of 4 stars; one submission).

Conditions:
Hereditary cancer-predisposing syndrome. Also called: Hereditary neoplastic syndrome; Hereditary Cancer Syndrome; Neoplastic Syndromes, Hereditary; Tumor predisposition. Identifiers: Orphanet 140162, MedGen C0027672, MeSH D009386, MONDO:0015356.

Submission:

Ambry Genetics
Classification: Uncertain significance for Hereditary cancer-predisposing syndrome. Last evaluated: 2023-05-09. Review status: criteria provided, single submitter. Criteria: Ambry Variant Classification Scheme 2023. Collection method: clinical testing. Allele origin: germline.
Comment: The p.D491Y variant (also known as c.1471G>T), located in coding exon 11 of the APC gene, results from a G to T substitution at nucleotide position 1471. The aspartic acid at codon 491 is replaced by tyrosine, an amino acid with highly dissimilar properties. This amino acid position is conserved. In addition, in silico predictors for this gene do not accurately predict pathogenicity. Since supporting evidence is limited at this time, the clinical significance of this alteration remains unclear.

NM_000038.6(APC):c.1471G>T (p.Asp491Tyr)

Gene: APC (APC regulator of Wnt signaling pathway; plus strand). Cytogenetic location: 5q22.2.
Variant type: single nucleotide variant.
Coding change: c.1471G>T on transcript NM_000038.6 (MANE Select); coding-DNA position 1471, G replaced by T.
Protein change: p.Asp491Tyr; replaces aspartic acid 491 with tyrosine.
Molecular consequence: missense variant.
Genome position (GRCh38, 1-based): chr5:112,827,170, G>T. VCF-style: chr5-112827170-G-T. GRCh37 (hg19) VCF-style: chr5-112162867-G-T.
Other names: c.1471G>T, p.Asp491Tyr (NM_001127510.3, NM_001354895.2, NM_001407450.1); c.1417G>T, p.Asp473Tyr (NM_001127511.3); c.1525G>T, p.Asp509Tyr (NM_001354896.2, NM_001407447.1, NM_001407448.1 and 1 more transcripts); c.1501G>T, p.Asp501Tyr (NM_001354897.2); c.1396G>T, p.Asp466Tyr (NM_001354898.2); c.1387G>T, p.Asp463Tyr (NM_001354899.2); c.1348G>T, p.Asp450Tyr (NM_001354900.2); c.1294G>T, p.Asp432Tyr (NM_001354901.2, NM_001407453.1); and 11 more; short protein forms D208Y, D362Y, D466Y, D509Y, D519Y, D331Y, D365Y, D400Y.
Identifiers: ClinVar variation 2567025 (VCV002567025.2), dbSNP rs1554081685, ClinGen allele CA16024526.